The following is an entry in ClinVar:

NM_000219.6(KCNE1):c.346G>T (p.Glu116Ter)

Gene: KCNE1 (potassium voltage-gated channel subfamily E regulatory subunit 1; minus strand). Cytogenetic location: 21q22.12.
Variant type: single nucleotide variant.
Coding change: c.346G>T on transcript NM_000219.6 (MANE Select); coding-DNA position 346, G replaced by T.
Protein change: p.Glu116Ter; replaces glutamic acid 116 with a stop codon.
Molecular consequence: nonsense.
Genome position (GRCh38, 1-based): chr21:34,449,289, C>A on the plus strand (G>T on the coding strand, the complement: KCNE1 is on the minus strand). VCF-style: chr21-34449289-C-A. GRCh37 (hg19) VCF-style: chr21-35821587-C-A.
Other names: c.346G>T, p.Glu116Ter (NM_001127668.4, NM_001127669.4, NM_001127670.4 and 4 more transcripts); short protein forms E116*.
Identifiers: ClinVar variation 3373785 (VCV003373785.2).

Conditions:
Long QT syndrome 5 (LQT5). Identifiers: Orphanet 101016, Orphanet 768, MedGen C1867904, MONDO:0013372, OMIM 613695.

Submission:

Roden Lab, Vanderbilt University Medical Center
No classification provided (evidence only). Condition: Long QT syndrome 5. Review status: no classification provided. Collection method: in vitro. Allele origin: not applicable. Functional consequence: Effect on ion channel function.
ClinVar note: "not provided" was previously submitted as the classification for the variant. However, the classification appeared to be based only on an observation of functional data so it was converted to no classification on 2025-07-30.